The following is an entry in ClinVar:

NM_000232.5(SGCB):c.165_166del (p.Gly56fs)

Gene: SGCB (sarcoglycan beta; minus strand). Cytogenetic location: 4q12.
Variant type: Deletion.
Coding change: c.165_166del on transcript NM_000232.5 (MANE Select); coding-DNA positions 165 to 166, 2 bases deleted (AG; older notation c.165_166delAG).
Protein change: p.Gly56fs; shifts the reading frame from glycine 56.
Molecular consequence: frameshift variant.
Genome position (GRCh38, 1-based): chr4:52,033,508-52,033,509, CT deleted on the plus strand (AG on the coding strand, the reverse complement: SGCB is on the minus strand). VCF-style (leftmost placement, unchanged base first): chr4-52033507-CCT-C. GRCh37 (hg19) VCF-style: chr4-52899673-CCT-C.
Other names: short protein forms G56fs.
Identifiers: ClinVar variation 2678681 (VCV002678681.4), dbSNP rs2475230212, ClinGen allele CA2670614167.

ClinVar aggregate classification (germline): Pathogenic/Likely pathogenic. Review status: criteria provided, multiple submitters, no conflicts (2 of 4 stars). 2 submissions from 2 submitters: Pathogenic (1); Likely pathogenic (1). Last evaluated 2023-10-03.

Conditions:
Autosomal recessive limb-girdle muscular dystrophy type 2E (LGMDR4). Also called: MUSCULAR DYSTROPHY, LIMB-GIRDLE, AUTOSOMAL RECESSIVE 4. Identifiers: Orphanet 119, MedGen C1858593, MONDO:0011423, OMIM 604286. Disease mechanism: Affects gamma-sarcoglycan and also disrupts the integrity of the entire sarcoglycan complex..

Allele frequency attached by ClinVar (database versions not stated): gnomAD exomes below 0.00001.

Submissions (2):

Baylor Genetics
Classification: Likely pathogenic for Autosomal recessive limb-girdle muscular dystrophy type 2E. Last evaluated: 2023-10-03. Review status: criteria provided, single submitter. Criteria: ACMG Guidelines, 2015. Collection method: clinical testing. Allele origin: unknown.

Labcorp Genetics (formerly Invitae), Labcorp
Classification: Pathogenic for Autosomal recessive limb-girdle muscular dystrophy type 2E. Last evaluated: 2023-02-21. Review status: criteria provided, single submitter. Criteria: Invitae Variant Classification Sherloc (09022015). Collection method: clinical testing. Allele origin: germline.
Comment: This sequence change creates a premature translational stop signal (p.Gly56Valfs*42) in the SGCB gene. It is expected to result in an absent or disrupted protein product. Loss-of-function variants in SGCB are known to be pathogenic (PMID: 15938573, 18285821). This variant is not present in population databases (gnomAD no frequency). This variant has not been reported in the literature in individuals affected with SGCB-related conditions. For these reasons, this variant has been classified as Pathogenic.

Literature cited by the submitters: PubMed 15938573 (cited by Labcorp Genetics (formerly Invitae), Labcorp); PubMed 18285821 (cited by Labcorp Genetics (formerly Invitae), Labcorp).